The following is an entry in ClinVar:

NM_032590.5(KDM2B):c.1494C>T (p.Pro498=)

Gene: KDM2B (lysine demethylase 2B; minus strand). Cytogenetic location: 12q24.31.
Variant type: single nucleotide variant.
Coding change: c.1494C>T on transcript NM_032590.5 (MANE Select); coding-DNA position 1494, C replaced by T.
Protein change: p.Pro498=; no amino-acid change (proline 498 retained).
Molecular consequence: synonymous variant.
Genome position (GRCh38, 1-based): chr12:121,509,720, G>A on the plus strand (C>T on the coding strand, the complement: KDM2B is on the minus strand). VCF-style: chr12-121509720-G-A. GRCh37 (hg19) VCF-style: chr12-121947523-G-A.
Other names: c.1401C>T, p.Pro467= (NM_001005366.2).
Identifiers: ClinVar variation 2643409 (VCV002643409.24), dbSNP rs782499372, ClinGen allele CA6836901.

ClinVar aggregate classification (germline): Likely benign (1 of 4 stars; one submission).

Allele frequency attached by ClinVar (database versions not stated): gnomAD 0.00001; TOPMed 0.00001.
gnomAD v4.1: 22 of 1,614,006 alleles (0.0014%); highest among the groups gnomAD compares: Middle Eastern, 0.016%; no homozygotes.

Submission:

CeGaT Center for Human Genetics Tuebingen
Classification: Likely benign. Last evaluated: 2022-05-01. Review status: criteria provided, single submitter. Criteria: CeGaT Center For Human Genetics Tuebingen Variant Classification Criteria Version 2. Collection method: clinical testing. Allele origin: germline. Affected: yes. Observed: 1 variant allele.
Comment: KDM2B: BP4, BP7